The following is an entry in ClinVar:

ClinVar aggregate classification (germline): Uncertain significance (1 of 4 stars; one submission).

Submission:

GeneDx
Classification: Uncertain significance. Last evaluated: 2022-09-13. Review status: criteria provided, single submitter. Criteria: GeneDx Variant Classification Process June 2021. Collection method: clinical testing. Allele origin: germline. Affected: yes.
Comment: Not observed at significant frequency in large population cohorts (gnomAD); In silico analysis supports that this missense variant has a deleterious effect on protein structure/function; Has not been previously published as pathogenic or benign to our knowledge

NM_024757.5(EHMT1):c.2672T>C (p.Leu891Pro)

Gene: EHMT1 (euchromatic histone lysine methyltransferase 1; plus strand). Cytogenetic location: 9q34.3.
Variant type: single nucleotide variant.
Coding change: c.2672T>C on transcript NM_024757.5 (MANE Select); coding-DNA position 2672, T replaced by C.
Protein change: p.Leu891Pro; replaces leucine 891 with proline.
Molecular consequence: missense variant.
Genome position (GRCh38, 1-based): chr9:137,800,944, T>C. VCF-style: chr9-137800944-T-C. GRCh37 (hg19) VCF-style: chr9-140695396-T-C.
Other names: c.2651T>C, p.Leu884Pro (NM_001354263.2); short protein forms L884P, L891P.
Identifiers: ClinVar variation 1326637 (VCV001326637.3), dbSNP rs2137382479, ClinGen allele CA375788944.